The following is an entry in ClinVar:

ClinVar aggregate classification (germline): Uncertain significance (1 of 4 stars; one submission).

gnomAD v4.1: 1 of 1,416,832 alleles (0.000071%); highest among the groups gnomAD compares: Non-Finnish European, 0.000093%; no homozygotes.

Submission:

GeneDx
Classification: Uncertain significance. Last evaluated: 2021-05-05. Review status: criteria provided, single submitter. Criteria: GeneDx Variant Classification Process June 2021. Collection method: clinical testing. Allele origin: germline. Affected: yes.
Comment: Not observed in large population cohorts (Lek et al., 2016); In silico analysis supports that this missense variant does not alter protein structure/function; Has not been previously published as pathogenic or benign to our knowledge

NM_025152.3(NUBPL):c.35G>A (p.Gly12Glu)

Gene: NUBPL (NUBP iron-sulfur cluster assembly factor, mitochondrial; plus strand). Cytogenetic location: 14q12.
Variant type: single nucleotide variant.
Coding change: c.35G>A on transcript NM_025152.3 (MANE Select); coding-DNA position 35, G replaced by A.
Protein change: p.Gly12Glu; replaces glycine 12 with glutamic acid.
Molecular consequence: missense variant. On other transcripts: non-coding transcript variant (1).
Genome position (GRCh38, 1-based): chr14:31,561,474, G>A. VCF-style: chr14-31561474-G-A. GRCh37 (hg19) VCF-style: chr14-32030680-G-A.
Other names: short protein forms G12E.
Identifiers: ClinVar variation 546384 (VCV000546384.3), dbSNP rs1198887263, ClinGen allele CA389481550.